The following is an entry in ClinVar:

NM_000494.4(COL17A1):c.3686dup (p.Val1231fs)

Gene: COL17A1 (collagen type XVII alpha 1 chain; minus strand). Cytogenetic location: 10q25.1.
Variant type: Duplication.
Coding change: c.3686dup on transcript NM_000494.4 (MANE Select); coding-DNA position 3686, one base duplicated (C; older notation c.3686dupC).
Protein change: p.Val1231fs; shifts the reading frame from valine 1231.
Molecular consequence: frameshift variant.
Genome position (GRCh38, 1-based): chr10:104,034,701, G duplicated on the plus strand (C on the coding strand, the reverse complement: COL17A1 is on the minus strand); the first of 5 consecutive G bases (chr10:104,034,701-104,034,705); duplicating any one gives the same sequence. VCF-style (leftmost placement, unchanged base first): chr10-104034700-C-CG. GRCh37 (hg19) VCF-style: chr10-105794458-C-CG.
Other names: short protein forms V1231fs.
Identifiers: ClinVar variation 1706597 (VCV001706597.5), dbSNP rs754247557, ClinGen allele CA2580081217.

ClinVar aggregate classification (germline): Pathogenic. Review status: criteria provided, multiple submitters, no conflicts (2 of 4 stars). 2 submissions from 2 submitters: Pathogenic (2). Last evaluated 2023-09-04.

Conditions:
Epidermolysis bullosa, junctional 4, intermediate. Also called: EPIDERMOLYSIS BULLOSA, JUNCTIONAL 4, NON-HERLITZ TYPE; EPIDERMOLYSIS BULLOSA, GENERALIZED ATROPHIC BENIGN; Epidermolysis bullosa, junctional, localisata variant. Identifiers: MedGen C2608084, MONDO:0030750, OMIM 619787.

Submissions (2):

Labcorp Genetics (formerly Invitae), Labcorp
Classification: Pathogenic. Last evaluated: 2023-09-04. Review status: criteria provided, single submitter. Criteria: Invitae Variant Classification Sherloc (09022015). Collection method: clinical testing. Allele origin: germline.
Comment: This sequence change creates a premature translational stop signal (p.Val1231Cysfs*11) in the COL17A1 gene. It is expected to result in an absent or disrupted protein product. Loss-of-function variants in COL17A1 are known to be pathogenic (PMID: 16473856, 17344927, 20301304, 21357940, 24319098). This variant is not present in population databases (gnomAD no frequency). This variant has not been reported in the literature in individuals affected with COL17A1-related conditions. ClinVar contains an entry for this variant (Variation ID: 1706597). For these reasons, this variant has been classified as Pathogenic.

Institute for Medical Genetics and Human Genetics, Charité - Universitätsmedizin Berlin
Classification: Pathogenic for Epidermolysis bullosa, junctional 4, intermediate. Last evaluated: 2022-09-16. Review status: criteria provided, single submitter. Criteria: ACMG Guidelines, 2015. Collection method: clinical testing. Allele origin: germline. Inheritance: X-linked inheritance. Affected: yes. Observed: 2 homozygotes.

Literature cited by the submitters: PubMed 16473856 (cited by Labcorp Genetics (formerly Invitae), Labcorp); PubMed 17344927 (cited by Labcorp Genetics (formerly Invitae), Labcorp); PubMed 20301304 (cited by Labcorp Genetics (formerly Invitae), Labcorp); PubMed 21357940 (cited by Labcorp Genetics (formerly Invitae), Labcorp); PubMed 24319098 (cited by Labcorp Genetics (formerly Invitae), Labcorp).